The following is an entry in ClinVar:

ClinVar aggregate classification (germline): Uncertain significance. Review status: criteria provided, multiple submitters, no conflicts (2 of 4 stars). 2 submissions from 2 submitters: Uncertain significance (2). Last evaluated 2024-10-26.

Conditions:
Turnpenny-fry syndrome. Also called: NEUROCARDIOSKELETAL SYNDROME. Identifiers: Orphanet 688642, MedGen C5193060, MONDO:0032707, OMIM 618371.

Allele frequency attached by ClinVar (database versions not stated): gnomAD exomes 0.00002; ExAC 0.00003; gnomAD 0.00003; TOPMed 0.00005.
gnomAD v4.1: 30 of 1,559,142 alleles (0.0019%); highest among the groups gnomAD compares: African/African-American, 0.016%; no homozygotes.

Submissions (2):

Labcorp Genetics (formerly Invitae), Labcorp
Classification: Uncertain significance. Last evaluated: 2024-10-26. Review status: criteria provided, single submitter. Criteria: Invitae Variant Classification Sherloc (09022015). Collection method: clinical testing. Allele origin: germline.
Comment: This sequence change replaces glycine, which is neutral and non-polar, with arginine, which is basic and polar, at codon 221 of the PCGF2 protein (p.Gly221Arg). The frequency data for this variant in the population databases is considered unreliable, as metrics indicate poor data quality at this position in the gnomAD database. This variant has not been reported in the literature in individuals affected with PCGF2-related conditions. ClinVar contains an entry for this variant (Variation ID: 1918480). Invitae Evidence Modeling of protein sequence and biophysical properties (such as structural, functional, and spatial information, amino acid conservation, physicochemical variation, residue mobility, and thermodynamic stability) has been performed for this missense variant. However, the output from this modeling did not meet the statistical confidence thresholds required to predict the impact of this variant on PCGF2 protein function. Algorithms developed to predict the effect of sequence changes on RNA splicing suggest that this variant may create or strengthen a splice site. In summary, the available evidence is currently insufficient to determine the role of this variant in disease. Therefore, it has been classified as a Variant of Uncertain Significance.

Institute of Human Genetics, University Hospital of Duesseldorf
Classification: Uncertain significance for Turnpenny-fry syndrome. Review status: criteria provided, single submitter. Criteria: ACMG Guidelines, 2015. Collection method: not provided. Allele origin: germline. Inheritance: Autosomal dominant inheritance. Affected: yes.

NM_007144.3(PCGF2):c.661G>A (p.Gly221Arg)

Genes: PCGF2 (polycomb group ring finger 2; minus strand), CISD3 (CDGSH iron sulfur domain 3; plus strand). Cytogenetic location: 17q12.
Variant type: single nucleotide variant.
Coding change: c.661G>A on transcript NM_007144.3 (MANE Select); coding-DNA position 661, G replaced by A.
Protein change: p.Gly221Arg; replaces glycine 221 with arginine.
Molecular consequence: missense variant. On other transcripts: 3 prime UTR variant (1).
Genome position (GRCh38, 1-based): chr17:38,735,597, C>T on the plus strand (G>A on the coding strand, the complement: PCGF2 is on the minus strand). VCF-style: chr17-38735597-C-T. GRCh37 (hg19) VCF-style: chr17-36891850-C-T.
Other names: c.*2142C>T (NM_001136498.2); c.661G>A, p.Gly221Arg (NM_001369614.1, NM_001369615.1); short protein forms G221R.
Identifiers: ClinVar variation 1918480 (VCV001918480.6), dbSNP rs748359148, ClinGen allele CA8524892.
Genomic context (GRCh38, chr17:38,735,597, plus strand): 5'-CCGTGGCTAGGGTGAGCCGCTTGCAGGCTGGCTGGACACGGTACTTGAGGGGGAGAGGCC[C>T]GTTCTGCGGGGAGAGTGGGGAGGAGAGACACAGGGAAGGGGAAGGTATCAGGAGACAGAG-3'
Protein context (NP_009075.1, residues 211-231): IAYIYPWRRN[Gly221Arg]PLPLKYRVQP